The following is an entry in ClinVar:

NM_006389.5(HYOU1):c.1072C>T (p.Arg358Trp)

Gene: HYOU1 (hypoxia up-regulated 1; minus strand). Cytogenetic location: 11q23.3.
Variant type: single nucleotide variant.
Coding change: c.1072C>T on transcript NM_006389.5 (MANE Select); coding-DNA position 1072, C replaced by T.
Protein change: p.Arg358Trp; replaces arginine 358 with tryptophan.
Molecular consequence: missense variant.
Genome position (GRCh38, 1-based): chr11:119,052,345, G>A on the plus strand (C>T on the coding strand, the complement: HYOU1 is on the minus strand). VCF-style: chr11-119052345-G-A. GRCh37 (hg19) VCF-style: chr11-118923057-G-A.
Other names: c.1072C>T, p.Arg358Trp (NM_001130991.3, NM_001411041.1); short protein forms R358W.
Identifiers: ClinVar variation 1968784 (VCV001968784.5), dbSNP rs1469631301, ClinGen allele CA382942408.

ClinVar aggregate classification (germline): Uncertain significance (1 of 4 stars; one submission).

Allele frequency attached by ClinVar (database versions not stated): gnomAD exomes below 0.00001; TOPMed 0.00012; gnomAD 0.00019.
gnomAD v4.1: 34 of 1,614,032 alleles (0.0021%); highest among the groups gnomAD compares: Admixed American, 0.053%; no homozygotes.

Submission:

Labcorp Genetics (formerly Invitae), Labcorp
Classification: Uncertain significance. Last evaluated: 2023-11-12. Review status: criteria provided, single submitter. Criteria: Invitae Variant Classification Sherloc (09022015). Collection method: clinical testing. Allele origin: germline.
Comment: This sequence change replaces arginine, which is basic and polar, with tryptophan, which is neutral and slightly polar, at codon 358 of the HYOU1 protein (p.Arg358Trp). This variant is present in population databases (no rsID available, gnomAD 0.009%). This variant has not been reported in the literature in individuals affected with HYOU1-related conditions. ClinVar contains an entry for this variant (Variation ID: 1968784). An algorithm developed to predict the effect of missense changes on protein structure and function (PolyPhen-2) suggests that this variant is likely to be disruptive. In summary, the available evidence is currently insufficient to determine the role of this variant in disease. Therefore, it has been classified as a Variant of Uncertain Significance.